The following is an entry in ClinVar:

ClinVar aggregate classification (germline): Uncertain significance (1 of 4 stars; one submission).

gnomAD v4.1: 6 of 1,613,474 alleles (0.00037%); highest among the groups gnomAD compares: Non-Finnish European, 0.00051%; no homozygotes.

Submission:

GeneDx
Classification: Uncertain significance. Last evaluated: 2024-09-22. Review status: criteria provided, single submitter. Criteria: GeneDx Variant Classification Process June 2021. Collection method: clinical testing. Allele origin: germline. Affected: yes.
Comment: Not observed at significant frequency in large population cohorts (gnomAD); In silico analysis indicates that this missense variant does not alter protein structure/function; Has not been previously published as pathogenic or benign to our knowledge

NM_001385012.1(NBEA):c.3299A>G (p.Tyr1100Cys)

Gene: NBEA (neurobeachin; plus strand). Cytogenetic location: 13q13.3.
Variant type: single nucleotide variant.
Coding change: c.3299A>G on transcript NM_001385012.1 (MANE Select); coding-DNA position 3299, A replaced by G.
Protein change: p.Tyr1100Cys; replaces tyrosine 1100 with cysteine.
Molecular consequence: missense variant.
Genome position (GRCh38, 1-based): chr13:35,159,470, A>G. VCF-style: chr13-35159470-A-G. GRCh37 (hg19) VCF-style: chr13-35733607-A-G.
Other names: c.3299A>G, p.Tyr1100Cys (NM_001379245.1, NM_015678.5); short protein forms Y1100C.
Identifiers: ClinVar variation 3774259 (VCV003774259.1).
Genomic context (GRCh38, chr13:35,159,470, plus strand): 5'-CTTTAGTAGGTGGAGAGAATGGTGCCCTTGTGGAGGTTGAATCTCTGTTGGATAATGTAT[A>G]TAGTGCTGCTGTTGAGAAACTCCAGAACAATGTACATGGAAGTGTTGGTATCATTAAAAA-3'
Protein context (NP_001371941.1, residues 1090-1110): VEVESLLDNV[Tyr1100Cys]SAAVEKLQNN